The following is an entry in ClinVar:

NM_005559.4(LAMA1):c.6430C>G (p.Leu2144Val)

Gene: LAMA1 (laminin subunit alpha 1; minus strand). Cytogenetic location: 18p11.31.
Variant type: single nucleotide variant.
Coding change: c.6430C>G on transcript NM_005559.4 (MANE Select); coding-DNA position 6430, C replaced by G.
Protein change: p.Leu2144Val; replaces leucine 2144 with valine.
Molecular consequence: missense variant.
Genome position (GRCh38, 1-based): chr18:6,975,996, G>C on the plus strand (C>G on the coding strand, the complement: LAMA1 is on the minus strand). VCF-style: chr18-6975996-G-C. GRCh37 (hg19) VCF-style: chr18-6975995-G-C.
Other names: p.Leu2144Val; short protein forms L2144V.
Identifiers: ClinVar variation 1168729 (VCV001168729.12), dbSNP rs117225191, ClinGen allele CA8881247.

ClinVar aggregate classification (germline): Benign. Review status: criteria provided, multiple submitters, no conflicts (2 of 4 stars). 3 submissions from 3 submitters: Benign (3). Last evaluated 2026-01-27.

Allele frequency attached by ClinVar (database versions not stated): 1000 Genomes Project 30x 0.00687; 1000 Genomes Project 0.00719; ExAC 0.01352; gnomAD exomes 0.01368; TOPMed 0.01384; gnomAD 0.01402 and 0.01415; ESP Exome Variant Server 0.01507.
gnomAD v4.1: 30,905 of 1,613,546 alleles (1.9%); highest among the groups gnomAD compares: Middle Eastern, 2.9%; 358 homozygotes.

Submissions (14):

Labcorp Genetics (formerly Invitae), Labcorp
Classification: Benign. Last evaluated: 2026-01-27. Review status: criteria provided, single submitter. Criteria: Invitae Variant Classification Sherloc (09022015). Collection method: clinical testing. Allele origin: germline.

Mayo Clinic Laboratories, Mayo Clinic
Classification: Benign. Last evaluated: 2023-06-26. Review status: criteria provided, single submitter. Criteria: ACMG Guidelines, 2015. Collection method: clinical testing. Allele origin: germline. Observed: 13 variant alleles.
Comment: BA1, BS2

Breakthrough Genomics
Classification: Benign. Review status: criteria provided, single submitter. Criteria: ACMG Guidelines, 2015. Collection method: not provided. Allele origin: germline. Inheritance: Autosomal recessive inheritance. Affected: yes.

Dr. Peter K. Rogan Lab, Western University
No classification provided (evidence only). Condition: Lung cancer. Review status: no classification provided. Collection method: in vitro. Allele origin: not applicable. Functional consequence: retained intron. Not counted in ClinVar's aggregate classification.

Dr. Peter K. Rogan Lab, Western University
No classification provided (evidence only). Condition: Lung cancer. Review status: no classification provided. Collection method: in vitro. Allele origin: not applicable. Functional consequence: retained intron. Not counted in ClinVar's aggregate classification.

Dr. Peter K. Rogan Lab, Western University
No classification provided (evidence only). Condition: Lung cancer. Review status: no classification provided. Collection method: in vitro. Allele origin: not applicable. Functional consequence: retained intron. Not counted in ClinVar's aggregate classification.

Dr. Peter K. Rogan Lab, Western University
No classification provided (evidence only). Condition: Melanoma. Review status: no classification provided. Collection method: in vitro. Allele origin: not applicable. Functional consequence: retained intron. Not counted in ClinVar's aggregate classification.

Dr. Peter K. Rogan Lab, Western University
No classification provided (evidence only). Condition: Thyroid cancer, nonmedullary, 1. Review status: no classification provided. Collection method: in vitro. Allele origin: not applicable. Functional consequence: retained intron. Not counted in ClinVar's aggregate classification.

Dr. Peter K. Rogan Lab, Western University
No classification provided (evidence only). Condition: Thyroid cancer, nonmedullary, 1. Review status: no classification provided. Collection method: in vitro. Allele origin: not applicable. Functional consequence: retained intron. Not counted in ClinVar's aggregate classification.

Dr. Peter K. Rogan Lab, Western University
No classification provided (evidence only). Condition: Uterine corpus endometrial carcinoma. Review status: no classification provided. Collection method: in vitro. Allele origin: not applicable. Functional consequence: retained intron. Not counted in ClinVar's aggregate classification.

Dr. Peter K. Rogan Lab, Western University
No classification provided (evidence only). Condition: Uterine corpus endometrial carcinoma. Review status: no classification provided. Collection method: in vitro. Allele origin: not applicable. Functional consequence: retained intron. Not counted in ClinVar's aggregate classification.

Dr. Peter K. Rogan Lab, Western University
No classification provided (evidence only). Condition: Hepatocellular carcinoma. Review status: no classification provided. Collection method: in vitro. Allele origin: not applicable. Functional consequence: retained intron. Not counted in ClinVar's aggregate classification.

Dr. Peter K. Rogan Lab, Western University
No classification provided (evidence only). Condition: Uterine carcinosarcoma. Review status: no classification provided. Collection method: in vitro. Allele origin: not applicable. Functional consequence: retained intron. Not counted in ClinVar's aggregate classification.

Dr. Peter K. Rogan Lab, Western University
No classification provided (evidence only). Condition: Uveal melanoma. Review status: no classification provided. Collection method: in vitro. Allele origin: not applicable. Functional consequence: retained intron. Not counted in ClinVar's aggregate classification.